The following is an entry in ClinVar:

NM_000787.4(DBH):c.1173G>A (p.Thr391=)

Gene: DBH (dopamine beta-hydroxylase; plus strand). Cytogenetic location: 9q34.2.
Variant type: single nucleotide variant.
Coding change: c.1173G>A on transcript NM_000787.4 (MANE Select); coding-DNA position 1173, G replaced by A.
Protein change: p.Thr391=; no amino-acid change (threonine 391 retained).
Molecular consequence: synonymous variant.
Genome position (GRCh38, 1-based): chr9:133,647,994, G>A. VCF-style: chr9-133647994-G-A. GRCh37 (hg19) VCF-style: chr9-136513116-G-A.
Identifiers: ClinVar variation 365659 (VCV000365659.13), dbSNP rs201689325, ClinGen allele CA5313341.

ClinVar aggregate classification (germline): Conflicting classifications of pathogenicity. Review status: criteria provided, conflicting classifications (1 of 4 stars). 3 submissions from 3 submitters: Uncertain significance (1); Benign (1); Likely benign (1). Last evaluated 2026-06-03.

Conditions:
DBH-related disorder. Also called: DBH-related condition.
Orthostatic hypotension 1 (ORTHYP1). Also called: Dopamine beta-hydroxylase deficiency; Orthostatic hypotension 1, due to DBH deficiency; NORADRENALINE DEFICIENCY; NOREPINEPHRINE DEFICIENCY. Identifiers: Orphanet 230, MedGen C4746777, MONDO:0009123, OMIM 223360.

Allele frequency attached by ClinVar (database versions not stated): gnomAD 0.00007 and 0.00008; TOPMed 0.00011; gnomAD exomes 0.00015; 1000 Genomes Project 30x 0.00016; 1000 Genomes Project 0.00020; ExAC 0.00021.
gnomAD v4.1: 83 of 1,612,838 alleles (0.0051%); highest among the groups gnomAD compares: East Asian, 0.083%; no homozygotes.

Submissions (3):

PreventionGenetics, part of Exact Sciences
Classification: Likely benign for DBH-related condition. Last evaluated: 2026-06-03. Review status: criteria provided, single submitter. Criteria: ACMG Guidelines, 2015. Collection method: clinical testing. Allele origin: germline.
Comment: This variant is classified as likely benign based on ACMG/AMP sequence variant interpretation guidelines (Richards et al. 2015 PMID: 25741868, with internal and published modifications).

Labcorp Genetics (formerly Invitae), Labcorp
Classification: Benign for Orthostatic hypotension 1. Last evaluated: 2025-11-17. Review status: criteria provided, single submitter. Criteria: Invitae Variant Classification Sherloc (09022015). Collection method: clinical testing. Allele origin: germline.

Illumina Laboratory Services, Illumina
Classification: Uncertain significance for Orthostatic hypotension 1. Last evaluated: 2018-01-13. Review status: criteria provided, single submitter. Criteria: ICSL Variant Classification Criteria 13 December 2019. Collection method: clinical testing. Allele origin: germline.